The following is an entry in ClinVar:

NM_001041.4(SI):c.4087C>T (p.Pro1363Ser)

Gene: SI (sucrase-isomaltase; minus strand). Cytogenetic location: 3q26.1.
Variant type: single nucleotide variant.
Coding change: c.4087C>T on transcript NM_001041.4 (MANE Select); coding-DNA position 4087, C replaced by T.
Protein change: p.Pro1363Ser; replaces proline 1363 with serine.
Molecular consequence: missense variant.
Genome position (GRCh38, 1-based): chr3:165,009,371, G>A on the plus strand (C>T on the coding strand, the complement: SI is on the minus strand). VCF-style: chr3-165009371-G-A. GRCh37 (hg19) VCF-style: chr3-164727159-G-A.
Other names: short protein forms P1363S.
Identifiers: ClinVar variation 1469340 (VCV001469340.6), dbSNP rs1576882468, ClinGen allele CA355033902.
Genomic context (GRCh38, chr3:165,009,371, plus strand): 5'-TGTAAAAGTCCACAATTTCTCTGGCCCACCACTCTGCTGTGGAAGTCCTGAAGAAATCTG[G>A]GAAAGCTACATGAGCTCTGGAAGCCTGTAAAACCAAAATTTAGGCTCACATGTGGAAAGT-3'
Protein context (NP_001032.2, residues 1353-1373): VNASRAHVAF[Pro1363Ser]DFFRTSTAEW

ClinVar aggregate classification (germline): Uncertain significance. Review status: criteria provided, multiple submitters, no conflicts (2 of 4 stars). 2 submissions from 2 submitters: Uncertain significance (2). Last evaluated 2024-02-07.

Conditions:
Sucrase-isomaltase deficiency (CSID). Also called: Congenital sucrose isomaltose malabsorption; Sucrose isomaltose enzyme deficiency; Deficiency of isomaltase; SI DEFICIENCY. Identifiers: Orphanet 35122, MedGen C1283620, MONDO:0009114, OMIM 222900.

Allele frequency attached by ClinVar (database versions not stated): gnomAD exomes below 0.00001; TOPMed below 0.00001; gnomAD 0.00001.
gnomAD v4.1: 4 of 1,613,316 alleles (0.00025%); highest among the groups gnomAD compares: East Asian, 0.0045%; no homozygotes.

Submissions (2):

Fulgent Genetics
Classification: Uncertain significance for Sucrase-isomaltase deficiency. Last evaluated: 2024-02-07. Review status: criteria provided, single submitter. Criteria: ACMG Guidelines, 2015. Collection method: clinical testing. Allele origin: germline.

Labcorp Genetics (formerly Invitae), Labcorp
Classification: Uncertain significance. Last evaluated: 2023-10-13. Review status: criteria provided, single submitter. Criteria: Invitae Variant Classification Sherloc (09022015). Collection method: clinical testing. Allele origin: germline.
Comment: This sequence change replaces proline, which is neutral and non-polar, with serine, which is neutral and polar, at codon 1363 of the SI protein (p.Pro1363Ser). This variant is not present in population databases (gnomAD no frequency). This variant has not been reported in the literature in individuals affected with SI-related conditions. ClinVar contains an entry for this variant (Variation ID: 1469340). Advanced modeling of protein sequence and biophysical properties (such as structural, functional, and spatial information, amino acid conservation, physicochemical variation, residue mobility, and thermodynamic stability) has been performed at Invitae for this missense variant, however the output from this modeling did not meet the statistical confidence thresholds required to predict the impact of this variant on SI protein function. In summary, the available evidence is currently insufficient to determine the role of this variant in disease. Therefore, it has been classified as a Variant of Uncertain Significance.